The following is an entry in ClinVar:

NM_004329.3(BMPR1A):c.1420G>C (p.Val474Leu)

Gene: BMPR1A (bone morphogenetic protein receptor type 1A; plus strand). Cytogenetic location: 10q23.2.
Variant type: single nucleotide variant.
Coding change: c.1420G>C on transcript NM_004329.3 (MANE Select); coding-DNA position 1420, G replaced by C.
Protein change: p.Val474Leu; replaces valine 474 with leucine.
Molecular consequence: missense variant.
Genome position (GRCh38, 1-based): chr10:86,923,453, G>C. VCF-style: chr10-86923453-G-C. GRCh37 (hg19) VCF-style: chr10-88683210-G-C.
Other names: short protein forms V474L.
Identifiers: ClinVar variation 141060 (VCV000141060.40), dbSNP rs567733221, ClinGen allele CA164350.

ClinVar aggregate classification (germline): Conflicting classifications of pathogenicity. Review status: criteria provided, conflicting classifications (1 of 4 stars). 13 submissions from 13 submitters: Uncertain significance (11); Benign (1); Likely benign (1). Last evaluated 2026-08-18.

Conditions:
BMPR1A-related disorder. Also called: BMPR1A-related condition.
Polyposis syndrome, hereditary mixed, 2. Identifiers: Orphanet 157794, MedGen C1864730, MONDO:0012405, OMIM 610069.
Juvenile polyposis syndrome (JPS). Identifiers: Orphanet 2929, MedGen C0345893, MONDO:0017380, OMIM 174900.
BMPR1A-related juvenile polyposis syndrome. Identifiers: MedGen CN379768, MONDO:0700348.
Hereditary cancer-predisposing syndrome. Also called: Tumor predisposition; Neoplastic Syndromes, Hereditary; Hereditary neoplastic syndrome; Hereditary Cancer Syndrome. Identifiers: Orphanet 140162, MedGen C0027672, MeSH D009386, MONDO:0015356.
Generalized juvenile polyposis/juvenile polyposis coli. Also called: Juvenile polyposis coli. Identifiers: Orphanet 329971, MedGen C1868081, MONDO:0008276.

Allele frequency attached by ClinVar (database versions not stated): gnomAD 0.00003; TOPMed 0.00003; gnomAD exomes 0.00008; 1000 Genomes Project 30x 0.00016; 1000 Genomes Project 0.00020.
gnomAD v4.1: 124 of 1,614,240 alleles (0.0077%); highest among the groups gnomAD compares: Non-Finnish European, 0.0099%; no homozygotes.

Submissions (13):

PreventionGenetics, part of Exact Sciences
Classification: Uncertain significance for BMPR1A-related condition. Last evaluated: 2026-08-18. Review status: criteria provided, single submitter. Criteria: ACMG Guidelines, 2015. Collection method: clinical testing. Allele origin: germline.
Comment: The BMPR1A c.1420G>C variant is predicted to result in the amino acid substitution p.Val474Leu. This variant was identified in an individual undergoing Lynch syndrome testing (Supplementary Table 2, Yurgelun et al. 2015. PubMed ID: 25980754). This variant is reported in 0.0080% of alleles in individuals of African descent in gnomAD. This variant has conflicting interpretations of significance in ClinVar ranging from benign to uncertain significance (Variation ID: 141060). At this time, the clinical significance of this variant is uncertain due to the absence of conclusive functional and genetic evidence.

Labcorp Genetics (formerly Invitae), Labcorp
Classification: Uncertain significance for Juvenile polyposis syndrome. Last evaluated: 2026-01-31. Review status: criteria provided, single submitter. Criteria: Invitae Variant Classification Sherloc (09022015). Collection method: clinical testing. Allele origin: germline.
Comment: This sequence change replaces valine, which is neutral and non-polar, with leucine, which is neutral and non-polar, at codon 474 of the BMPR1A protein (p.Val474Leu). This variant is present in population databases (rs567733221, gnomAD 0.008%). This variant has not been reported in the literature in individuals affected with BMPR1A-related conditions. ClinVar contains an entry for this variant (Variation ID: 141060). Invitae Evidence Modeling incorporating data from in vitro experimental studies (internal data) indicates that this missense variant is not expected to disrupt BMPR1A function with a negative predictive value of 95%. In summary, the available evidence is currently insufficient to determine the role of this variant in disease. Therefore, it has been classified as a Variant of Uncertain Significance.

Victorian Clinical Genetics Services, Murdoch Childrens Research Institute
Classification: Likely benign for BMPR1A-related juvenile polyposis syndrome. Last evaluated: 2025-09-24. Review status: criteria provided, single submitter. Criteria: ACMG Guidelines, 2015. Collection method: clinical testing. Allele origin: germline. Affected: no.
Comment: This variant is classified as Likely benign. Evidence in support of pathogenic classification: Variant is present in gnomAD <0.001 for a dominant condition (v4: 124 heterozygote(s), 0 homozygote(s)). Additional information: Variant is predicted to result in a missense amino acid change from Val to Leu; This variant is heterozygous; This gene is associated with autosomal dominant disease; Previous evidence of pathogenicity for this variant is inconclusive. This variant has been classified primarily as a VUS by clinical laboratories in ClinVar, in addition to a single benign entry. Additionally, this variant has been reported in the literature as a VUS in an individual with suspected Lynch syndrome (PMID: 25980754). An alternate nucleotide change resulting in the same protein change has also been classified as a VUS by multiple clinical laboratories in ClinVar; No published evidence of segregation with disease has been identified for this variant; No published functional evidence has been identified for this variant; Other missense variant(s) comparable to the one identified in this case have inconclusive previous evidence for pathogenicity. p.(Val474Ala) and p.(Val474Met) have both been classified as VUS by clinical laboratories in ClinVar; Variant is located in the annotated protein kinase domain (DECIPHER); Missense variant with inconclusive in silico prediction and uninformative conservation.

GeneDx
Classification: Uncertain significance. Last evaluated: 2025-07-10. Review status: criteria provided, single submitter. Criteria: GeneDx Variant Classification Process June 2021. Collection method: clinical testing. Allele origin: germline. Affected: yes.
Comment: In silico analysis supports that this missense variant has a deleterious effect on protein structure/function; Observed in an individual undergoing multi-gene cancer panel testing due to a personal history of a Lynch syndrome-related cancer and/or polyps (PMID: 25980754); This variant is associated with the following publications: (PMID: 25980754)

Women's Health and Genetics/Laboratory Corporation of America, LabCorp
Classification: Uncertain significance. Last evaluated: 2025-06-09. Review status: criteria provided, single submitter. Criteria: LabCorp Variant Classification Summary - May 2015. Collection method: clinical testing. Allele origin: germline.
Comment: Variant summary: BMPR1A c.1420G>C (p.Val474Leu) results in a conservative amino acid change located in the protein kinase domain (IPR000719) of the encoded protein sequence. Algorithms developed to predict the effect of missense changes on protein structure and function are either unavailable or do not agree on the potential impact of this missense change. The variant allele was found at a frequency of 4.4e-05 in 251494 control chromosomes. The observed variant frequency is higher than the estimated maximal expected allele frequency for a pathogenic variant in BMPR1A causing Juvenile Polyposis Syndrome phenotype (2e-06). c.1420G>C has been reported in an individual with history of Lynch syndrome-associated cancer and/or polyps (Yurgelun_2015). These report(s) do not provide unequivocal conclusions about association of the variant with Juvenile Polyposis Syndrome. To our knowledge, no experimental evidence demonstrating an impact on protein function has been reported. The following publication have been ascertained in the context of this evaluation (PMID: 25980754). ClinVar contains an entry for this variant (Variation ID: 141060). Based on the evidence outlined above, the variant was classified as VUS-possibly benign.

Molecular Pathology, Peter Maccallum Cancer Centre
Classification: Uncertain significance for Generalized juvenile polyposis/juvenile polyposis coli. Last evaluated: 2025-02-17. Review status: criteria provided, single submitter. Criteria: ACMG Guidelines, 2015. Collection method: clinical testing. Allele origin: germline. Inheritance: Autosomal dominant inheritance.

Quest Diagnostics Nichols Institute San Juan Capistrano
Classification: Uncertain significance. Last evaluated: 2024-12-24. Review status: criteria provided, single submitter. Criteria: Quest Diagnostics criteria. Collection method: clinical testing. Allele origin: unknown.
Comment: The BMPR1A c.1420G>C (p.Val474Leu) variant has been reported in the published literature in an individual with Lynch syndrome-associated cancer and/or polyps (PMID: 25980754 (2015)). The frequency of this variant in the general population (Genome Aggregation Database) is higher than would generally be expected for pathogenic variants in this gene. Analysis of this variant using bioinformatics tools for the prediction of the effect of amino acid changes on protein structure and function yielded predictions that this variant is damaging. Based on the available information, we are unable to determine the clinical significance of this variant.

All of Us Research Program, National Institutes of Health
Classification: Uncertain significance for Juvenile polyposis syndrome. Last evaluated: 2024-05-30. Review status: criteria provided, single submitter. Criteria: ACMG Guidelines, 2015. Collection method: clinical testing. Allele origin: germline. Inheritance: Autosomal dominant inheritance. Observed: 8 variant alleles, 8 heterozygotes.
Comment: This missense variant replaces valine with leucine at codon 474 of the BMPR1A protein. Computational prediction suggests that this variant may not impact protein structure and function (internally defined REVEL score threshold <= 0.5, PMID: 27666373). To our knowledge, functional studies have not been reported for this variant. This variant has been reported in an individual with history of Lynch syndrome-associated cancer and/or polyps (PMID: 25980754). This variant has been identified in 12/282896 chromosomes in the general population by the Genome Aggregation Database (gnomAD). The available evidence is insufficient to determine the role of this variant in disease conclusively. Therefore, this variant is classified as a Variant of Uncertain Significance.

This study involves interpretation of variants in research participants for the purpose of population health screening. Participant phenotype was not available at the time of variant classification. Additional details can be found in publication PMID: 35346344, PMCID: PMC8962531

Color Diagnostics, LLC DBA Color Health
Classification: Uncertain significance for Hereditary cancer-predisposing syndrome. Last evaluated: 2024-05-15. Review status: criteria provided, single submitter. Criteria: ACMG Guidelines, 2015. Collection method: clinical testing. Allele origin: germline.
Comment: This missense variant replaces valine with leucine at codon 474 of the BMPR1A protein. Computational prediction suggests that this variant may not impact protein structure and function (internally defined REVEL score threshold <= 0.5, PMID: 27666373). To our knowledge, functional studies have not been reported for this variant. This variant has been reported in an individual with history of Lynch syndrome-associated cancer and/or polyps (PMID: 25980754). This variant has been identified in 12/282896 chromosomes in the general population by the Genome Aggregation Database (gnomAD). The available evidence is insufficient to determine the role of this variant in disease conclusively. Therefore, this variant is classified as a Variant of Uncertain Significance.

Fulgent Genetics
Classification: Uncertain significance for Juvenile polyposis syndrome; Polyposis syndrome, hereditary mixed, 2. Last evaluated: 2024-05-14. Review status: criteria provided, single submitter. Criteria: ACMG Guidelines, 2015. Collection method: clinical testing. Allele origin: germline.

Baylor Genetics
Classification: Uncertain significance for Polyposis syndrome, hereditary mixed, 2. Last evaluated: 2023-10-27. Review status: criteria provided, single submitter. Criteria: ACMG Guidelines, 2015. Collection method: clinical testing. Allele origin: unknown.

Ambry Genetics
Classification: Benign for Hereditary cancer-predisposing syndrome. Last evaluated: 2022-07-13. Review status: criteria provided, single submitter. Criteria: Ambry Variant Classification Scheme 2023. Collection method: clinical testing. Allele origin: germline.

Department of Pathology and Laboratory Medicine, Sinai Health System
Classification: Uncertain significance for Polyposis syndrome, hereditary mixed, 2; Juvenile polyposis syndrome. Last evaluated: 2021-07-22. Review status: criteria provided, single submitter. Criteria: ACMG Guidelines, 2015. Collection method: clinical testing. Allele origin: germline. Affected: yes.

Literature cited by the submitters: PubMed 25980754 (cited by 7 submitters).